The following is an entry in ClinVar:

NM_002485.5(NBN):c.2167C>G (p.Leu723Val)

Gene: NBN (nibrin; minus strand). Cytogenetic location: 8q21.3.
Variant type: single nucleotide variant.
Coding change: c.2167C>G on transcript NM_002485.5 (MANE Select); coding-DNA position 2167, C replaced by G.
Protein change: p.Leu723Val; replaces leucine 723 with valine.
Molecular consequence: missense variant.
Genome position (GRCh38, 1-based): chr8:89,943,270, G>C on the plus strand (C>G on the coding strand, the complement: NBN is on the minus strand). VCF-style: chr8-89943270-G-C. GRCh37 (hg19) VCF-style: chr8-90955498-G-C.
Other names: c.1921C>G, p.Leu641Val (NM_001024688.3); short protein forms L641V, L723V.
Identifiers: ClinVar variation 940534 (VCV000940534.9), dbSNP rs759888769, ClinGen allele CA371675328.

ClinVar aggregate classification (germline): Uncertain significance. Review status: criteria provided, multiple submitters, no conflicts (2 of 4 stars). 2 submissions from 2 submitters: Uncertain significance (2). Last evaluated 2021-08-28.

Conditions:
Microcephaly, normal intelligence and immunodeficiency (NBS). Also called: BERLIN BREAKAGE SYNDROME; Immunodeficiency, microcephaly with normal intelligence; Ataxia telangiectasia variant V1; SEEMANOVA SYNDROME II; Nijmegen breakage syndrome; Microcephaly with normal intelligence immunodeficiency and lymphoreticular malignancies. Identifiers: Orphanet 647, MedGen C0398791, MONDO:0009623, OMIM 251260.
Hereditary cancer-predisposing syndrome. Also called: Tumor predisposition; Hereditary neoplastic syndrome; Neoplastic Syndromes, Hereditary; Hereditary Cancer Syndrome. Identifiers: Orphanet 140162, MedGen C0027672, MeSH D009386, MONDO:0015356.

Allele frequency attached by ClinVar (database versions not stated): gnomAD exomes below 0.00001.
gnomAD v4.1: 1 of 1,613,606 alleles (0.000062%); highest among the groups gnomAD compares: Non-Finnish European, 0.000085%; no homozygotes.

Submissions (2):

Labcorp Genetics (formerly Invitae), Labcorp
Classification: Uncertain significance for Microcephaly, normal intelligence and immunodeficiency. Last evaluated: 2021-08-28. Review status: criteria provided, single submitter. Criteria: Invitae Variant Classification Sherloc (09022015). Collection method: clinical testing. Allele origin: germline.
Comment: This sequence change replaces leucine with valine at codon 723 of the NBN protein (p.Leu723Val). The leucine residue is highly conserved and there is a small physicochemical difference between leucine and valine. This variant is not present in population databases (ExAC no frequency). This variant has not been reported in the literature in individuals affected with NBN-related conditions. Algorithms developed to predict the effect of missense changes on protein structure and function are either unavailable or do not agree on the potential impact of this missense change (SIFT: "Deleterious"; PolyPhen-2: "Probably Damaging"; Align-GVGD: "Class C0"). Algorithms developed to predict the effect of sequence changes on RNA splicing suggest that this variant may create or strengthen a splice site. In summary, the available evidence is currently insufficient to determine the role of this variant in disease. Therefore, it has been classified as a Variant of Uncertain Significance.

Ambry Genetics
Classification: Uncertain significance for Hereditary cancer-predisposing syndrome. Last evaluated: 2015-12-13. Review status: criteria provided, single submitter. Criteria: Ambry Variant Classification Scheme 2023. Collection method: clinical testing. Allele origin: germline.
Comment: The p.L723V variant (also known as c.2167C>G), located in coding exon 14 of the NBN gene, results from a C to G substitution at nucleotide position 2167. The leucine at codon 723 is replaced by valine, an amino acid with highly similar properties. This variant was not reported in population based cohorts in the following databases: Database of Single Nucleotide Polymorphisms (dbSNP), NHLBI Exome Sequencing Project (ESP), and 1000 Genomes Project. In the ESP, this variant was not observed in 6503 samples (13006 alleles) with coverage at this position. To date, this alteration has been detected with an allele frequency of approximately 0.001% (greater than 120000 alleles tested) in our clinical cohort. This amino acid position is highly conserved in available vertebrate species. In addition, this alteration is predicted to be tolerated by in silico analysis. Since supporting evidence is limited at this time, the clinical significance of p.L723V remains unclear.